The following is an entry in ClinVar:

NM_000088.4(COL1A1):c.111_117del (p.Ile38fs)

Gene: COL1A1 (collagen type I alpha 1 chain; minus strand). Cytogenetic location: 17q21.33.
Variant type: Deletion.
Coding change: c.111_117del on transcript NM_000088.4 (MANE Select); coding-DNA positions 111 to 117, 7 bases deleted (AATCACC; older notation c.111_117delAATCACC).
Protein change: p.Ile38fs; shifts the reading frame from isoleucine 38.
Molecular consequence: frameshift variant.
Genome position (GRCh38, 1-based): chr17:50,199,934-50,199,940, GGTGATT deleted on the plus strand (AATCACC on the coding strand, the reverse complement: COL1A1 is on the minus strand); deleting any 7 consecutive bases within chr17:50,199,934-50,199,944 gives the same sequence; the c. name uses the placement nearest the transcript's 3' end. VCF-style (leftmost placement, unchanged base first): chr17-50199933-AGGTGATT-A. GRCh37 (hg19) VCF-style: chr17-48277294-AGGTGATT-A.
Other names: c.111_117del (LRG_1t1); short protein forms I38fs.
Identifiers: ClinVar variation 425595 (VCV000425595.2), dbSNP rs1114167384, ClinGen allele CA645294116.

ClinVar aggregate classification (germline): Pathogenic. Review status: criteria provided, single submitter (1 of 4 stars). 2 submissions from 2 submitters: Pathogenic (1). 1 of the submissions does not count toward it. Last evaluated 2026-06-18.

Conditions:
COL1A1-related disorder. Also called: COL1A1-related condition; COL1A1- related disease.
Osteogenesis imperfecta type I (OI1). Also called: OI, TYPE I; OSTEOGENESIS IMPERFECTA TARDA; OSTEOGENESIS IMPERFECTA WITH BLUE SCLERAE; Osteogenesis imperfecta type 1; Classic Non-deforming Osteogenesis Imperfecta with Blue Sclerae; Lobstein's Disease. Identifiers: Orphanet 216796, Orphanet 666, MedGen C0023931, MONDO:0008146, OMIM 166200. Disease mechanism: loss of function.

Submissions (2):

Greenwood Genetic Center Diagnostic Laboratories, Greenwood Genetic Center
Classification: Pathogenic for COL1A1-related disorder. Last evaluated: 2026-06-18. Review status: criteria provided, single submitter. Criteria: ACMG Guidelines, 2015. Collection method: clinical testing. Allele origin: germline. Affected: yes.
Comment: PVS1, PS4_Supporting, PM2

Department of Medical Sciences, Uppsala University
Classification: Pathogenic for OI type I. Review status: no assertion criteria provided. Collection method: clinical testing. Allele origin: unknown. Affected: yes. Observed: 1 variant allele. Not counted in ClinVar's aggregate classification.

Literature cited by the submitters: PubMed 25944380 (cited by Department of Medical Sciences, Uppsala University).